The following is an entry in ClinVar:

NM_005909.5(MAP1B):c.2013G>A (p.Lys671=)

Gene: MAP1B (microtubule associated protein 1B; plus strand). Cytogenetic location: 5q13.2.
Variant type: single nucleotide variant.
Coding change: c.2013G>A on transcript NM_005909.5 (MANE Select); coding-DNA position 2013, G replaced by A.
Protein change: p.Lys671=; no amino-acid change (lysine 671 retained).
Molecular consequence: synonymous variant.
Genome position (GRCh38, 1-based): chr5:72,195,368, G>A. VCF-style: chr5-72195368-G-A. GRCh37 (hg19) VCF-style: chr5-71491195-G-A.
Other names: c.1635G>A, p.Lys545= (NM_001324255.2).
Identifiers: ClinVar variation 777395 (VCV000777395.29), dbSNP rs186623571, ClinGen allele CA3298766.

ClinVar aggregate classification (germline): Benign/Likely benign. Review status: criteria provided, multiple submitters, no conflicts (2 of 4 stars). 3 submissions from 3 submitters: Benign (1); Likely benign (1). 1 of the submissions does not count toward it. Last evaluated 2026-08-01.

Conditions:
MAP1B-related disorder. Also called: MAP1B-related condition.

Allele frequency attached by ClinVar (database versions not stated): ESP Exome Variant Server 0.00031; gnomAD 0.00149 and 0.00167; TOPMed 0.00179; 1000 Genomes Project 30x 0.00187; 1000 Genomes Project 0.00200; gnomAD exomes 0.00359; ExAC 0.00397.
gnomAD v4.1: 1,875 of 1,575,538 alleles (0.12%); highest among the groups gnomAD compares: East Asian, 1%; 14 homozygotes.

Submissions (3):

CeGaT Center for Human Genetics Tuebingen
Classification: Likely benign. Last evaluated: 2026-08-01. Review status: criteria provided, single submitter. Criteria: CeGaT Center For Human Genetics Tuebingen Variant Classification Criteria Version 2. Collection method: clinical testing. Allele origin: germline. Affected: yes. Observed: 12 variant alleles.
Comment: MAP1B: BP4, BP7, BS1

Labcorp Genetics (formerly Invitae), Labcorp
Classification: Benign. Last evaluated: 2019-12-31. Review status: criteria provided, single submitter. Criteria: Invitae Variant Classification Sherloc (09022015). Collection method: clinical testing. Allele origin: germline.

PreventionGenetics, part of Exact Sciences
Classification: Likely benign for MAP1B-related condition. Last evaluated: 2019-02-22. Review status: no assertion criteria provided. Collection method: clinical testing. Allele origin: germline. Not counted in ClinVar's aggregate classification.
Comment: This variant is classified as likely benign based on ACMG/AMP sequence variant interpretation guidelines (Richards et al. 2015 PMID: 25741868, with internal and published modifications).